The following is an entry in ClinVar:

ClinVar aggregate classification (germline): Uncertain significance. Review status: criteria provided, multiple submitters, no conflicts (2 of 4 stars). 2 submissions from 2 submitters: Uncertain significance (2). Last evaluated 2024-11-06.

Conditions:
Inborn genetic diseases. Identifiers: MedGen C0950123, MeSH D030342.
Generalized epilepsy with febrile seizures plus, type 7 (GEFSP7). Also called: GEFS+, TYPE 7. Identifiers: Orphanet 36387, MedGen C2751778, MONDO:0013470, OMIM 613863.
Neuropathy, hereditary sensory and autonomic, type 2A (HSAN2A). Also called: ACROOSTEOLYSIS, GIACCAI TYPE; ACROOSTEOLYSIS, NEUROGENIC; MORVAN DISEASE; NEUROPATHY, CONGENITAL SENSORY; NEUROPATHY, HEREDITARY SENSORY RADICULAR, AUTOSOMAL RECESSIVE; NEUROPATHY, HEREDITARY SENSORY, TYPE IIA. Identifiers: Orphanet 970, MedGen C2752089, MONDO:0024309, OMIM 201300.

Submissions (2):

Labcorp Genetics (formerly Invitae), Labcorp
Classification: Uncertain significance for Neuropathy, hereditary sensory and autonomic, type 2A; Generalized epilepsy with febrile seizures plus, type 7. Last evaluated: 2024-11-06. Review status: criteria provided, single submitter. Criteria: Invitae Variant Classification Sherloc (09022015). Collection method: clinical testing. Allele origin: germline.
Comment: This sequence change replaces aspartic acid, which is acidic and polar, with glycine, which is neutral and non-polar, at codon 1913 of the SCN9A protein (p.Asp1913Gly). This variant is not present in population databases (gnomAD no frequency). This variant has not been reported in the literature in individuals affected with SCN9A-related conditions. ClinVar contains an entry for this variant (Variation ID: 1015754). An algorithm developed to predict the effect of missense changes on protein structure and function outputs the following: PolyPhen-2: "Benign". The glycine amino acid residue is found in multiple mammalian species, which suggests that this missense change does not adversely affect protein function. In summary, the available evidence is currently insufficient to determine the role of this variant in disease. Therefore, it has been classified as a Variant of Uncertain Significance.

Ambry Genetics
Classification: Uncertain significance for Inborn genetic diseases. Last evaluated: 2024-03-05. Review status: criteria provided, single submitter. Criteria: Ambry Variant Classification Scheme 2023. Collection method: clinical testing. Allele origin: germline.

NM_001365536.1(SCN9A):c.5771A>G (p.Asp1924Gly)

Genes: SCN9A (sodium voltage-gated channel alpha subunit 9; minus strand), SCN1A-AS1 (SCN1A and SCN9A antisense RNA 1; plus strand). Cytogenetic location: 2q24.3.
Variant type: single nucleotide variant.
Coding change: c.5771A>G on transcript NM_001365536.1 (MANE Select); coding-DNA position 5771, A replaced by G.
Protein change: p.Asp1924Gly; replaces aspartic acid 1924 with glycine.
Molecular consequence: missense variant.
Genome position (GRCh38, 1-based): chr2:166,198,868, T>C on the plus strand (A>G on the coding strand, the complement: SCN9A is on the minus strand). VCF-style: chr2-166198868-T-C. GRCh37 (hg19) VCF-style: chr2-167055378-T-C.
Other names: c.5738A>G, p.Asp1913Gly (NM_002977.4); short protein forms D1913G, D1924G.
Identifiers: ClinVar variation 1015754 (VCV001015754.8), dbSNP rs1693332752, ClinGen allele CA349051538.